The following is an entry in ClinVar:

ClinVar aggregate classification (germline): Uncertain significance. Review status: criteria provided, multiple submitters, no conflicts (2 of 4 stars). 2 submissions from 2 submitters: Uncertain significance (2). Last evaluated 2023-11-30.

Conditions:
Cardiomyopathy (CMYO). Also called: Cardiomyopathies. Identifiers: Orphanet 167848, MedGen C0878544, MONDO:0004994, HP:0001638. Inheritance: Various modes of inheritance.
Arrhythmogenic cardiomyopathy with wooly hair and keratoderma. Also called: PALMOPLANTAR KERATODERMA WITH LEFT VENTRICULAR CARDIOMYOPATHY AND WOOLLY HAIR; Dilated cardiomyopathy with woolly hair and keratoderma; Arrhythmogenic cardiomyopathy with woolly hair and keratoderma; Carvajal syndrome. Identifiers: Orphanet 65282, MedGen C1854063, MONDO:0011581, OMIM 605676.

gnomAD v4.1: 3 of 1,567,814 alleles (0.00019%); highest among the groups gnomAD compares: Non-Finnish European, 0.00017%; no homozygotes.

Submissions (2):

All of Us Research Program, National Institutes of Health
Classification: Uncertain significance for Arrhythmogenic cardiomyopathy with wooly hair and keratoderma. Last evaluated: 2023-11-30. Review status: criteria provided, single submitter. Criteria: ACMG Guidelines, 2015. Collection method: clinical testing. Allele origin: germline. Inheritance: Autosomal dominant inheritance. Observed: 1 variant allele, 1 heterozygote.
Comment: This study involves interpretation of variants in research participants for the purpose of population health screening. Participant phenotype was not available at the time of variant classification. Additional details can be found in publication PMID: 35346344, PMCID: PMC8962531

Color Diagnostics, LLC DBA Color Health
Classification: Uncertain significance for Cardiomyopathy. Last evaluated: 2023-11-07. Review status: criteria provided, single submitter. Criteria: ACMG Guidelines, 2015. Collection method: clinical testing. Allele origin: germline.
Comment: This missense variant replaces aspartic acid with histidine at codon 50 of the DSP protein. Computational prediction suggests that this variant may not impact protein structure and function (internally defined REVEL score threshold <= 0.5, PMID: 27666373). To our knowledge, functional studies have not been reported for this variant. This variant has not been reported in individuals affected with DSP-related disorders in the literature. This variant has been identified in 1/169324 chromosomes in the general population by the Genome Aggregation Database (gnomAD). The available evidence is insufficient to determine the role of this variant in disease conclusively. Therefore, this variant is classified as a Variant of Uncertain Significance.

NM_004415.4(DSP):c.148G>C (p.Asp50His)

Genes: DSP-AS1 (DSP antisense RNA 1; minus strand), DSP (desmoplakin; plus strand). Cytogenetic location: 6p24.3.
Variant type: single nucleotide variant.
Coding change: c.148G>C on transcript NM_004415.4 (MANE Select); coding-DNA position 148, G replaced by C.
Protein change: p.Asp50His; replaces aspartic acid 50 with histidine.
Molecular consequence: missense variant.
Genome position (GRCh38, 1-based): chr6:7,542,063, G>C. VCF-style: chr6-7542063-G-C. GRCh37 (hg19) VCF-style: chr6-7542296-G-C.
Other names: c.148G>C, p.Asp50His (NM_001008844.3, NM_001319034.2, NM_001406591.1); short protein forms D50H.
Identifiers: ClinVar variation 2775257 (VCV002775257.3), dbSNP rs1333529244, ClinGen allele CA362675967.